The following is an entry in ClinVar:

ClinVar aggregate classification (germline): Uncertain significance (1 of 4 stars; one submission).

Allele frequency attached by ClinVar (database versions not stated): gnomAD exomes below 0.00001; TOPMed below 0.00001; gnomAD 0.00001.
gnomAD v4.1: 2 of 1,613,670 alleles (0.00012%); highest among the groups gnomAD compares: Non-Finnish European, 0.00017%; no homozygotes.

Submission:

Labcorp Genetics (formerly Invitae), Labcorp
Classification: Uncertain significance. Last evaluated: 2022-05-12. Review status: criteria provided, single submitter. Criteria: Invitae Variant Classification Sherloc (09022015). Collection method: clinical testing. Allele origin: germline.
Comment: In summary, the available evidence is currently insufficient to determine the role of this variant in disease. Therefore, it has been classified as a Variant of Uncertain Significance. Algorithms developed to predict the effect of missense changes on protein structure and function output the following: SIFT: "Tolerated"; PolyPhen-2: "Benign"; Align-GVGD: "Class C0". The arginine amino acid residue is found in multiple mammalian species, which suggests that this missense change does not adversely affect protein function. This variant has not been reported in the literature in individuals affected with SLC25A42-related conditions. This variant is not present in population databases (gnomAD no frequency). This sequence change replaces histidine, which is basic and polar, with arginine, which is basic and polar, at codon 315 of the SLC25A42 protein (p.His315Arg).

NM_178526.5(SLC25A42):c.944A>G (p.His315Arg)

Gene: SLC25A42 (solute carrier family 25 member 42; plus strand). Cytogenetic location: 19p13.11.
Variant type: single nucleotide variant.
Coding change: c.944A>G on transcript NM_178526.5 (MANE Select); coding-DNA position 944, A replaced by G.
Protein change: p.His315Arg; replaces histidine 315 with arginine.
Molecular consequence: missense variant.
Genome position (GRCh38, 1-based): chr19:19,110,863, A>G. VCF-style: chr19-19110863-A-G. GRCh37 (hg19) VCF-style: chr19-19221672-A-G.
Other names: c.944A>G, p.His315Arg (NM_001321544.2); short protein forms H315R.
Identifiers: ClinVar variation 1944629 (VCV001944629.5), dbSNP rs1415349573, ClinGen allele CA404898423.